The following is an entry in ClinVar:

NM_017613.4(DONSON):c.892G>T (p.Ala298Ser)

Gene: DONSON (DNA replication fork stabilization factor DONSON; minus strand). Cytogenetic location: 21q22.11.
Variant type: single nucleotide variant.
Coding change: c.892G>T on transcript NM_017613.4 (MANE Select); coding-DNA position 892, G replaced by T.
Protein change: p.Ala298Ser; replaces alanine 298 with serine.
Molecular consequence: missense variant.
Genome position (GRCh38, 1-based): chr21:33,583,560, C>A on the plus strand (G>T on the coding strand, the complement: DONSON is on the minus strand). VCF-style: chr21-33583560-C-A. GRCh37 (hg19) VCF-style: chr21-34955866-C-A.
Other names: short protein forms A298S.
Identifiers: ClinVar variation 2171350 (VCV002171350.2), dbSNP rs148095112, ClinGen allele CA10010481.

ClinVar aggregate classification (germline): Uncertain significance (1 of 4 stars; one submission).

Allele frequency attached by ClinVar (database versions not stated): ExAC 0.00003; gnomAD 0.00009; ESP Exome Variant Server 0.00023.
gnomAD v4.1: 41 of 1,613,878 alleles (0.0025%); highest among the groups gnomAD compares: African/African-American, 0.028%; no homozygotes.

Submission:

Labcorp Genetics (formerly Invitae), Labcorp
Classification: Uncertain significance. Last evaluated: 2022-02-04. Review status: criteria provided, single submitter. Criteria: Invitae Variant Classification Sherloc (09022015). Collection method: clinical testing. Allele origin: germline.
Comment: In summary, the available evidence is currently insufficient to determine the role of this variant in disease. Therefore, it has been classified as a Variant of Uncertain Significance. Algorithms developed to predict the effect of missense changes on protein structure and function are either unavailable or do not agree on the potential impact of this missense change (SIFT: "Tolerated"; PolyPhen-2: "Possibly Damaging"; Align-GVGD: "Class C0"). This variant has not been reported in the literature in individuals affected with DONSON-related conditions. This variant is present in population databases (rs148095112, gnomAD 0.04%). This sequence change replaces alanine, which is neutral and non-polar, with serine, which is neutral and polar, at codon 298 of the DONSON protein (p.Ala298Ser).